The following is an entry in ClinVar:

NM_000212.3(ITGB3):c.1180C>G (p.Leu394Val)

Gene: ITGB3 (integrin subunit beta 3; plus strand). Cytogenetic location: 17q21.32.
Variant type: single nucleotide variant.
Coding change: c.1180C>G on transcript NM_000212.3 (MANE Select); coding-DNA position 1180, C replaced by G.
Protein change: p.Leu394Val; replaces leucine 394 with valine.
Molecular consequence: missense variant.
Genome position (GRCh38, 1-based): chr17:47,291,008, C>G. VCF-style: chr17-47291008-C-G. GRCh37 (hg19) VCF-style: chr17-45368374-C-G.
Other names: short protein forms L394V.
Identifiers: ClinVar variation 2084576 (VCV002084576.5), dbSNP rs148794549, ClinGen allele CA8623184.

ClinVar aggregate classification (germline): Uncertain significance. Review status: criteria provided, multiple submitters, no conflicts (2 of 4 stars). 2 submissions from 2 submitters: Uncertain significance (2). Last evaluated 2025-12-17.

Conditions:
Inborn genetic diseases. Identifiers: MedGen C0950123, MeSH D030342.

Allele frequency attached by ClinVar (database versions not stated): gnomAD exomes 0.00002; ExAC 0.00011; gnomAD 0.00025; ESP Exome Variant Server 0.00062.
gnomAD v4.1: 61 of 1,614,018 alleles (0.0038%); highest among the groups gnomAD compares: African/African-American, 0.079%; no homozygotes.

Submissions (2):

Labcorp Genetics (formerly Invitae), Labcorp
Classification: Uncertain significance. Last evaluated: 2025-12-17. Review status: criteria provided, single submitter. Criteria: Invitae Variant Classification Sherloc (09022015). Collection method: clinical testing. Allele origin: germline.
Comment: This sequence change replaces leucine, which is neutral and non-polar, with valine, which is neutral and non-polar, at codon 394 of the ITGB3 protein (p.Leu394Val). This variant is present in population databases (rs148794549, gnomAD 0.1%). This variant has not been reported in the literature in individuals affected with ITGB3-related conditions. ClinVar contains an entry for this variant (Variation ID: 2084576). Invitae Evidence Modeling of protein sequence and biophysical properties (such as structural, functional, and spatial information, amino acid conservation, physicochemical variation, residue mobility, and thermodynamic stability) has been performed for this missense variant. However, the output from this modeling did not meet the statistical confidence thresholds required to predict the impact of this variant on ITGB3 protein function. In summary, the available evidence is currently insufficient to determine the role of this variant in disease. Therefore, it has been classified as a Variant of Uncertain Significance.

Ambry Genetics
Classification: Uncertain significance for Inborn genetic diseases. Last evaluated: 2021-08-30. Review status: criteria provided, single submitter. Criteria: Ambry Variant Classification Scheme 2023. Collection method: clinical testing. Allele origin: germline.